The following is an entry in ClinVar:

ClinVar aggregate classification (germline): Uncertain significance. Review status: criteria provided, multiple submitters, no conflicts (2 of 4 stars). 2 submissions from 2 submitters: Uncertain significance (2). Last evaluated 2024-10-11.

Conditions:
Hereditary cancer-predisposing syndrome. Also called: Hereditary Cancer Syndrome; Hereditary neoplastic syndrome; Tumor predisposition; Neoplastic Syndromes, Hereditary. Identifiers: Orphanet 140162, MedGen C0027672, MeSH D009386, MONDO:0015356.
Cardiovascular phenotype. Identifiers: MedGen CN230736.
Neurofibromatosis, type 1 (NF1). Also called: NEUROFIBROMATOSIS, TYPE I, SOMATIC; VON RECKLINGHAUSEN DISEASE; Neurofibromatosis, type I; Peripheral type neurofibromatosis. Identifiers: Orphanet 636, MedGen C0027831, MONDO:0018975, OMIM 162200. Disease mechanism: loss of function.

Submissions (2):

Ambry Genetics
Classification: Uncertain significance for Cardiovascular phenotype; Hereditary cancer-predisposing syndrome. Last evaluated: 2024-10-11. Review status: criteria provided, single submitter. Criteria: Ambry Variant Classification Scheme 2023. Collection method: clinical testing. Allele origin: germline.
Comment: The p.D2726G variant (also known as c.8177A>G), located in coding exon 56 of the NF1 gene, results from an A to G substitution at nucleotide position 8177. The aspartic acid at codon 2726 is replaced by glycine, an amino acid with similar properties. This amino acid position is conserved. In addition, this alteration is predicted to be tolerated by in silico analysis. Based on the available evidence, the clinical significance of this variant remains unclear.

Labcorp Genetics (formerly Invitae), Labcorp
Classification: Uncertain significance for Neurofibromatosis, type 1. Last evaluated: 2023-12-05. Review status: criteria provided, single submitter. Criteria: Invitae Variant Classification Sherloc (09022015). Collection method: clinical testing. Allele origin: germline.
Comment: This sequence change replaces aspartic acid, which is acidic and polar, with glycine, which is neutral and non-polar, at codon 2726 of the NF1 protein (p.Asp2726Gly). This variant is not present in population databases (gnomAD no frequency). This variant has not been reported in the literature in individuals affected with NF1-related conditions. ClinVar contains an entry for this variant (Variation ID: 1357171). Advanced modeling of protein sequence and biophysical properties (such as structural, functional, and spatial information, amino acid conservation, physicochemical variation, residue mobility, and thermodynamic stability) has been performed at Invitae for this missense variant, however the output from this modeling did not meet the statistical confidence thresholds required to predict the impact of this variant on NF1 protein function. In summary, the available evidence is currently insufficient to determine the role of this variant in disease. Therefore, it has been classified as a Variant of Uncertain Significance.

NM_001042492.3(NF1):c.8240A>G (p.Asp2747Gly)

Gene: NF1 (neurofibromin 1; plus strand). Cytogenetic location: 17q11.2.
Variant type: single nucleotide variant.
Coding change: c.8240A>G on transcript NM_001042492.3 (MANE Select); coding-DNA position 8240, A replaced by G.
Protein change: p.Asp2747Gly; replaces aspartic acid 2747 with glycine.
Molecular consequence: missense variant.
Genome position (GRCh38, 1-based): chr17:31,360,566, A>G. VCF-style: chr17-31360566-A-G. GRCh37 (hg19) VCF-style: chr17-29687584-A-G.
Other names: c.8177A>G, p.Asp2726Gly (NM_000267.4); short protein forms D2747G, D2726G.
Identifiers: ClinVar variation 1357171 (VCV001357171.9), dbSNP rs2151587891, ClinGen allele CA399204636.